The following is an entry in ClinVar:

NM_000368.5(TSC1):c.1302A>G (p.Arg434=)

Gene: TSC1 (TSC complex subunit 1; minus strand). Cytogenetic location: 9q34.13.
Variant type: single nucleotide variant.
Coding change: c.1302A>G on transcript NM_000368.5 (MANE Select); coding-DNA position 1302, A replaced by G.
Protein change: p.Arg434=; no amino-acid change (arginine 434 retained).
Molecular consequence: synonymous variant.
Genome position (GRCh38, 1-based): chr9:132,907,332, T>C on the plus strand (A>G on the coding strand, the complement: TSC1 is on the minus strand). VCF-style: chr9-132907332-T-C. GRCh37 (hg19) VCF-style: chr9-135782719-T-C.
Other names: c.1299A>G, p.Arg433= (NM_001162426.2); c.1149A>G, p.Arg383= (NM_001162427.2); c.939A>G, p.Arg313= (NM_001362177.2).
Identifiers: ClinVar variation 466021 (VCV000466021.20), dbSNP rs907840461, ClinGen allele CA200889998.

ClinVar aggregate classification (germline): Benign/Likely benign. Review status: criteria provided, multiple submitters, no conflicts (2 of 4 stars). 7 submissions from 7 submitters: Benign (1); Likely benign (5). 1 of the submissions does not count toward it. Last evaluated 2026-01-06.

Conditions:
Tuberous sclerosis syndrome (TSC). Also called: Tuberous Sclerosis Complex; Tuberous sclerosis. Identifiers: Orphanet 805, MedGen C0041341, MONDO:0001734.
TSC1-related disorder. Also called: TSC1-related condition.
Tuberous sclerosis 1 (TSC1). Identifiers: Orphanet 805, MedGen C1854465, MONDO:0008612, OMIM 191100.
Hereditary cancer-predisposing syndrome. Also called: Hereditary neoplastic syndrome; Neoplastic Syndromes, Hereditary; Tumor predisposition; Hereditary Cancer Syndrome. Identifiers: Orphanet 140162, MedGen C0027672, MeSH D009386, MONDO:0015356.

Allele frequency attached by ClinVar (database versions not stated): gnomAD exomes below 0.00001 and 0.00001; TOPMed 0.00005; gnomAD 0.00007.
gnomAD v4.1: 12 of 1,614,084 alleles (0.00074%); highest among the groups gnomAD compares: Admixed American, 0.02%; no homozygotes.

Submissions (7):

Labcorp Genetics (formerly Invitae), Labcorp
Classification: Likely benign for Tuberous sclerosis 1. Last evaluated: 2026-01-06. Review status: criteria provided, single submitter. Criteria: Invitae Variant Classification Sherloc (09022015). Collection method: clinical testing. Allele origin: germline.

Myriad Genetics, Inc.
Classification: Benign for Tuberous sclerosis 1. Last evaluated: 2025-04-09. Review status: criteria provided, single submitter. Criteria: Myriad Autosomal Dominant, Autosomal Recessive and X-Linked Classification Criteria (2023). Collection method: clinical testing. Allele origin: unknown.
Comment: This variant is considered benign. This variant is a silent/synonymous amino acid change and it is not expected to impact splicing.

All of Us Research Program, National Institutes of Health
Classification: Likely benign for Tuberous sclerosis syndrome. Last evaluated: 2024-07-20. Review status: criteria provided, single submitter. Criteria: ACMG Guidelines, 2015. Collection method: clinical testing. Allele origin: germline. Inheritance: Autosomal dominant inheritance. Observed: 4 variant alleles, 4 heterozygotes.
Comment: This study involves interpretation of variants in research participants for the purpose of population health screening. Participant phenotype was not available at the time of variant classification. Additional details can be found in publication PMID: 35346344, PMCID: PMC8962531

Color Diagnostics, LLC DBA Color Health
Classification: Likely benign for Tuberous sclerosis syndrome. Last evaluated: 2024-04-17. Review status: criteria provided, single submitter. Criteria: ACMG Guidelines, 2015. Collection method: clinical testing. Allele origin: germline.

Sema4
Classification: Likely benign for Hereditary cancer-predisposing syndrome. Last evaluated: 2022-01-06. Review status: criteria provided, single submitter. Criteria: Sema4 Curation Guidelines. Collection method: curation. Allele origin: germline.

Ambry Genetics
Classification: Likely benign for Hereditary cancer-predisposing syndrome. Last evaluated: 2021-07-13. Review status: criteria provided, single submitter. Criteria: Ambry Variant Classification Scheme 2023. Collection method: clinical testing. Allele origin: germline.

PreventionGenetics, part of Exact Sciences
Classification: Likely benign for TSC1-related condition. Last evaluated: 2022-11-13. Review status: no assertion criteria provided. Collection method: clinical testing. Allele origin: germline. Not counted in ClinVar's aggregate classification.
Comment: This variant is classified as likely benign based on ACMG/AMP sequence variant interpretation guidelines (Richards et al. 2015 PMID: 25741868, with internal and published modifications).